The following is an entry in ClinVar:

NM_002160.4(TNC):c.3921C>G (p.Ser1307Arg)

Gene: TNC (tenascin C; minus strand). Cytogenetic location: 9q33.1.
Variant type: single nucleotide variant.
Coding change: c.3921C>G on transcript NM_002160.4 (MANE Select); coding-DNA position 3921, C replaced by G.
Protein change: p.Ser1307Arg; replaces serine 1307 with arginine.
Molecular consequence: missense variant. On other transcripts: intron variant (21).
Genome position (GRCh38, 1-based): chr9:115,063,029, G>C on the plus strand (C>G on the coding strand, the complement: TNC is on the minus strand). VCF-style: chr9-115063029-G-C. GRCh37 (hg19) VCF-style: chr9-117825308-G-C.
Other names: c.3921C>G, p.Ser1307Arg (NM_001439065.1, NM_001439066.1, NM_001439067.1 and 14 more transcripts); c.3214+10574C>G (NM_001439099.1, NM_001439096.1, NM_001439100.1 and 1 more transcripts); c.3215-5604C>G (NM_001439098.1, NM_001439094.1, NM_001439090.1); c.3487+1618C>G (NM_001439097.1); c.3760+767C>G (NM_001439093.1, NM_001439087.1, NM_001439083.1 and 10 more transcripts); short protein forms S1307R.
Identifiers: ClinVar variation 4980294 (VCV004980294.1).

ClinVar aggregate classification (germline): Uncertain significance (1 of 4 stars; one submission).

Conditions:
TNC-related disorder. Also called: TNC-related condition.

gnomAD v4.1: 14 of 1,614,036 alleles (0.00087%); highest among the groups gnomAD compares: Admixed American, 0.017%; no homozygotes.

Submission:

PreventionGenetics, part of Exact Sciences
Classification: Uncertain significance for TNC-related condition. Last evaluated: 2026-08-31. Review status: criteria provided, single submitter. Criteria: ACMG Guidelines, 2015. Collection method: clinical testing. Allele origin: germline.
Comment: The TNC c.3921C>G variant is predicted to result in the amino acid substitution p.Ser1307Arg. To our knowledge, this variant has not been reported in the literature. This variant is reported in 0.0087% of alleles in individuals of Latino descent in gnomAD. At this time, the clinical significance of this variant is uncertain due to the absence of conclusive functional and genetic evidence.